The following is an entry in ClinVar:

ClinVar aggregate classification (germline): Conflicting classifications of pathogenicity. Review status: criteria provided, conflicting classifications (1 of 4 stars). 2 submissions from 2 submitters: Uncertain significance (1); Likely benign (1). Last evaluated 2025-11-04.

Conditions:
COL18A1-related disorder. Also called: COL18A1-related condition; COL18A1-related disorders.

gnomAD v4.1: 53 of 1,564,824 alleles (0.0034%); highest among the groups gnomAD compares: African/African-American, 0.043%; no homozygotes.

Submissions (2):

PreventionGenetics, part of Exact Sciences
Classification: Uncertain significance for COL18A1-related condition. Last evaluated: 2025-11-04. Review status: criteria provided, single submitter. Criteria: ACMG Guidelines, 2015. Collection method: clinical testing. Allele origin: germline.
Comment: The COL18A1 c.760C>T variant is predicted to result in the amino acid substitution p.Arg254Cys. To our knowledge, this variant has not been reported in the literature. This variant is reported in 0.053% of alleles in individuals of African descent in gnomAD, which may be too frequent to be a primary cause of disease. Although we suspect that this variant may be benign, at this time, the clinical significance of this variant is uncertain due to the absence of conclusive functional and genetic evidence.

Blueprint Genetics
Classification: Likely benign. Last evaluated: 2022-11-07. Review status: criteria provided, single submitter. Criteria: ACMG Guidelines, 2015. Collection method: clinical testing. Allele origin: germline.

NM_001379500.1(COL18A1):c.107-11952C>T

Gene: COL18A1 (collagen type XVIII alpha 1 chain; plus strand). Cytogenetic location: 21q22.3.
Variant type: single nucleotide variant.
Coding change: c.107-11952C>T on transcript NM_001379500.1 (MANE Select); 11952 bases into the intron before coding-DNA position 107, C replaced by T.
Molecular consequence: intron variant. On other transcripts: missense variant (1).
Genome position (GRCh38, 1-based): chr21:45,456,290, C>T. VCF-style: chr21-45456290-C-T. GRCh37 (hg19) VCF-style: chr21-46876204-C-T.
Other names: c.760C>T, p.Arg254Cys (NM_130444.3); c.646+114C>T (NM_030582.4); c.760C>T (NM_130444.2); short protein forms R254C.
Identifiers: ClinVar variation 4946568 (VCV004946568.2).